The following is an entry in ClinVar:

NM_032380.5(GFM2):c.1359T>C (p.Ser453=)

Gene: GFM2 (GTP dependent ribosome recycling factor mitochondrial 2; minus strand). Cytogenetic location: 5q13.3.
Variant type: single nucleotide variant.
Coding change: c.1359T>C on transcript NM_032380.5 (MANE Select); coding-DNA position 1359, T replaced by C.
Protein change: p.Ser453=; no amino-acid change (serine 453 retained).
Molecular consequence: synonymous variant. On other transcripts: non-coding transcript variant (1).
Genome position (GRCh38, 1-based): chr5:74,736,947, A>G on the plus strand (T>C on the coding strand, the complement: GFM2 is on the minus strand). VCF-style: chr5-74736947-A-G. GRCh37 (hg19) VCF-style: chr5-74032772-A-G.
Other names: c.1455T>C, p.Ser485= (NM_001281302.2); c.1359T>C, p.Ser453= (NM_170681.3); c.1218T>C, p.Ser406= (NM_170691.3).
Identifiers: ClinVar variation 508261 (VCV000508261.1), dbSNP rs1554039350, ClinGen allele CA444858689.
Genomic context (GRCh38, chr5:74,736,947, plus strand): 5'-ATTGTTTTGTCTGTGCTTCTTTTCTCCCTCCCGTTCGGCTCTACGAGCTGCAGCTAATGC[A>G]CTGGACTTGGATGAGACAATGGTGTCTCCAGTGGCAGTCTGCAAGCAAACAAGATGACTT-3'
Protein context (NP_115756.2, residues 443-463): TGDTIVSSKS[Ser453=]ALAAARRAER

ClinVar aggregate classification (germline): Likely benign (1 of 4 stars; one submission).

Allele frequency attached by ClinVar (database versions not stated): gnomAD exomes below 0.00001; gnomAD 0.00001.
gnomAD v4.1: 6 of 1,613,602 alleles (0.00037%); highest among the groups gnomAD compares: African/African-American, 0.0067%; no homozygotes.

Submission:

GeneDx
Classification: Likely benign. Last evaluated: 2017-04-21. Review status: criteria provided, single submitter. Criteria: GeneDx Variant Classification (06012015). Collection method: clinical testing. Allele origin: germline. Affected: yes.
Comment: This variant is considered likely benign or benign based on one or more of the following criteria: it is a conservative change, it occurs at a poorly conserved position in the protein, it is predicted to be benign by multiple in silico algorithms, and/or has population frequency not consistent with disease.